The following is an entry in ClinVar:

NM_153026.3(PRICKLE1):c.1222T>C (p.Trp408Arg)

Genes: PRICKLE1 (prickle planar cell polarity protein 1; minus strand), LOC126861509 (BRD4-independent group 4 enhancer GRCh37_chr12:42858567-42859766; plus strand). Cytogenetic location: 12q12.
Variant type: single nucleotide variant.
Coding change: c.1222T>C on transcript NM_153026.3 (MANE Select); coding-DNA position 1222, T replaced by C.
Protein change: p.Trp408Arg; replaces tryptophan 408 with arginine.
Molecular consequence: missense variant.
Genome position (GRCh38, 1-based): chr12:42,464,812, A>G on the plus strand (T>C on the coding strand, the complement: PRICKLE1 is on the minus strand). VCF-style: chr12-42464812-A-G. GRCh37 (hg19) VCF-style: chr12-42858614-A-G.
Other names: p.W408R:TGG>CGG; c.1222T>C, p.Trp408Arg (NM_001144881.2, NM_001144882.2, NM_001144883.2); short protein forms W408R.
Identifiers: ClinVar variation 206666 (VCV000206666.22), dbSNP rs376384105, ClinGen allele CA316986.

ClinVar aggregate classification (germline): Uncertain significance. Review status: criteria provided, multiple submitters, no conflicts (2 of 4 stars). 5 submissions from 5 submitters: Uncertain significance (5). Last evaluated 2026-02-02.

Conditions:
Epilepsy, progressive myoclonic, 1B. Also called: PME. Identifiers: Orphanet 308, MedGen C2676254, MONDO:0012904, OMIM 612437.

Allele frequency attached by ClinVar (database versions not stated): ESP Exome Variant Server 0.00008; gnomAD 0.00015; TOPMed 0.00019.
gnomAD v4.1: 376 of 1,613,942 alleles (0.023%); highest among the groups gnomAD compares: Admixed American, 0.037%; no homozygotes.

Submissions (5):

Labcorp Genetics (formerly Invitae), Labcorp
Classification: Uncertain significance for Epilepsy, progressive myoclonic, 1B. Last evaluated: 2026-02-02. Review status: criteria provided, single submitter. Criteria: Invitae Variant Classification Sherloc (09022015). Collection method: clinical testing. Allele origin: germline.
Comment: This sequence change replaces tryptophan, which is neutral and slightly polar, with arginine, which is basic and polar, at codon 408 of the PRICKLE1 protein (p.Trp408Arg). This variant is present in population databases (rs376384105, gnomAD 0.03%). This variant has not been reported in the literature in individuals affected with PRICKLE1-related conditions. ClinVar contains an entry for this variant (Variation ID: 206666). Invitae Evidence Modeling of protein sequence and biophysical properties (such as structural, functional, and spatial information, amino acid conservation, physicochemical variation, residue mobility, and thermodynamic stability) indicates that this missense variant is not expected to disrupt PRICKLE1 protein function with a negative predictive value of 80%. In summary, the available evidence is currently insufficient to determine the role of this variant in disease. Therefore, it has been classified as a Variant of Uncertain Significance.

Ambry Genetics
Classification: Uncertain significance. Last evaluated: 2024-12-23. Review status: criteria provided, single submitter. Criteria: Ambry Variant Classification Scheme 2023. Collection method: clinical testing. Allele origin: germline.
Comment: Does not currently meet published gene-disease clinical validity criteria Based on insufficient or conflicting evidence, the clinical significance of this alteration remains unclear.

Fulgent Genetics
Classification: Uncertain significance for Epilepsy, progressive myoclonic, 1B. Last evaluated: 2022-03-29. Review status: criteria provided, single submitter. Criteria: ACMG Guidelines, 2015. Collection method: clinical testing. Allele origin: unknown.

Eurofins Ntd Llc (ga)
Classification: Uncertain significance. Last evaluated: 2018-01-16. Review status: criteria provided, single submitter. Criteria: EGL Classification Definitions 2015. Collection method: clinical testing. Allele origin: germline. Observed: 1 variant allele, 1 heterozygote.

GeneDx
Classification: Uncertain significance. Last evaluated: 2017-07-06. Review status: criteria provided, single submitter. Criteria: GeneDx Variant Classification (06012015). Collection method: clinical testing. Allele origin: germline. Affected: yes.
Comment: p.Trp408Arg (TGG>CGG): c.1222 T>C in exon 7 of the PRICKLE1 gene (NM_153026.2). The Trp408Arg missense change has not been published as a mutation, nor has it been reported as a benign polymorphism to our knowledge. The amino acid substitution is non-conservative as an uncharged, non-polar Tryptophan amino acid residue is replaced by a positively charged, polar Arginine residue. Several in-silico algorithms predict Trp408Arg may be damaging to the structure/function of the protein. However, it alters a position that is not well conserved and to our knowledge, other missense mutations have not been previously reported in this region of the protein. Therefore, based on the currently available information, it is unclear whether Trp408Arg is a disease-causing mutation or a rare benign variant. The variant is found in EPILEPSY panel(s).

Literature cited by the submitters: PubMed 28106320 (cited by Ambry Genetics).